The following is an entry in ClinVar:

ClinVar aggregate classification (germline): Uncertain significance (1 of 4 stars; one submission).

gnomAD v4.1: 1 of 1,231,038 alleles (0.000081%); highest among the groups gnomAD compares: Non-Finnish European, 0.0001%; no homozygotes.

Submission:

GeneDx
Classification: Uncertain significance. Last evaluated: 2023-04-26. Review status: criteria provided, single submitter. Criteria: GeneDx Variant Classification Process June 2021. Collection method: clinical testing. Allele origin: germline. Affected: yes.
Comment: Not observed at significant frequency in large population cohorts (gnomAD); In silico analysis supports that this missense variant does not alter protein structure/function; Has not been previously published as pathogenic or benign to our knowledge

NM_006236.3(POU3F3):c.194G>A (p.Gly65Glu)

Gene: POU3F3 (POU class 3 homeobox 3; plus strand). Cytogenetic location: 2q12.1.
Variant type: single nucleotide variant.
Coding change: c.194G>A on transcript NM_006236.3 (MANE Select); coding-DNA position 194, G replaced by A.
Protein change: p.Gly65Glu; replaces glycine 65 with glutamic acid.
Molecular consequence: missense variant.
Genome position (GRCh38, 1-based): chr2:104,855,704, G>A. VCF-style: chr2-104855704-G-A. GRCh37 (hg19) VCF-style: chr2-105472162-G-A.
Other names: short protein forms G65E.
Identifiers: ClinVar variation 3343189 (VCV003343189.1).